The following is an entry in ClinVar:

NM_138694.4(PKHD1):c.11319A>T (p.Arg3773Ser)

Gene: PKHD1 (PKHD1 ciliary IPT domain containing fibrocystin/polyductin; minus strand). Cytogenetic location: 6p12.3.
Variant type: single nucleotide variant.
Coding change: c.11319A>T on transcript NM_138694.4 (MANE Select); coding-DNA position 11319, A replaced by T.
Protein change: p.Arg3773Ser; replaces arginine 3773 with serine.
Molecular consequence: missense variant.
Genome position (GRCh38, 1-based): chr6:51,648,110, T>A on the plus strand (A>T on the coding strand, the complement: PKHD1 is on the minus strand). VCF-style: chr6-51648110-T-A. GRCh37 (hg19) VCF-style: chr6-51512908-T-A.
Other names: c.11319A>T (NM_138694.3); short protein forms R3773S.
Identifiers: ClinVar variation 2149921 (VCV002149921.2), dbSNP rs770697340, ClinGen allele CA3850890.

ClinVar aggregate classification (germline): Uncertain significance. Review status: criteria provided, multiple submitters, no conflicts (2 of 4 stars). 2 submissions from 2 submitters: Uncertain significance (2). Last evaluated 2022-12-27.

Conditions:
Autosomal recessive polycystic kidney disease (ARPKD). Also called: AR polycystic kidney disease. Identifiers: Orphanet 731, Orphanet 8378, MedGen C0085548, MeSH D017044, MONDO:0009889.
Inborn genetic diseases. Identifiers: MedGen C0950123, MeSH D030342.

Allele frequency attached by ClinVar (database versions not stated): gnomAD exomes below 0.00001; ExAC 0.00002.
gnomAD v4.1: 4 of 1,590,038 alleles (0.00025%); highest among the groups gnomAD compares: South Asian, 0.0033%; no homozygotes.

Submissions (2):

Ambry Genetics
Classification: Uncertain significance for Inborn genetic diseases. Last evaluated: 2022-12-27. Review status: criteria provided, single submitter. Criteria: Ambry Variant Classification Scheme 2023. Collection method: clinical testing. Allele origin: germline.

Labcorp Genetics (formerly Invitae), Labcorp
Classification: Uncertain significance for Autosomal recessive polycystic kidney disease. Last evaluated: 2022-07-18. Review status: criteria provided, single submitter. Criteria: Invitae Variant Classification Sherloc (09022015). Collection method: clinical testing. Allele origin: germline.
Comment: This sequence change replaces arginine, which is basic and polar, with serine, which is neutral and polar, at codon 3773 of the PKHD1 protein (p.Arg3773Ser). This variant is present in population databases (rs770697340, gnomAD 0.007%). This variant has not been reported in the literature in individuals affected with PKHD1-related conditions. Advanced modeling of protein sequence and biophysical properties (such as structural, functional, and spatial information, amino acid conservation, physicochemical variation, residue mobility, and thermodynamic stability) performed at Invitae indicates that this missense variant is not expected to disrupt PKHD1 protein function. In summary, the available evidence is currently insufficient to determine the role of this variant in disease. Therefore, it has been classified as a Variant of Uncertain Significance.